The following is an entry in ClinVar:

ClinVar aggregate classification (germline): Uncertain significance (1 of 4 stars; one submission).

Allele frequency attached by ClinVar (database versions not stated): TOPMed below 0.00001.

Submission:

GeneDx
Classification: Uncertain significance. Last evaluated: 2025-02-25. Review status: criteria provided, single submitter. Criteria: GeneDx Variant Classification Process June 2021. Collection method: clinical testing. Allele origin: germline. Affected: yes.
Comment: Not observed at significant frequency in large population cohorts (gnomAD); In silico analysis supports that this missense variant has a deleterious effect on protein structure/function; Has not been previously published as pathogenic or benign to our knowledge

NM_001042750.2(STAG2):c.1315C>T (p.Arg439Cys)

Gene: STAG2 (STAG2 cohesin complex component; plus strand). Cytogenetic location: Xq25.
Variant type: single nucleotide variant.
Coding change: c.1315C>T on transcript NM_001042750.2 (MANE Select); coding-DNA position 1315, C replaced by T.
Protein change: p.Arg439Cys; replaces arginine 439 with cysteine.
Molecular consequence: missense variant.
Genome position (GRCh38, 1-based): chrX:124,057,876, C>T. VCF-style: chrX-124057876-C-T. GRCh37 (hg19) VCF-style: chrX-123191726-C-T.
Other names: c.1315C>T, p.Arg439Cys (NM_001042749.2, NM_001042751.2, NM_001282418.2 and 13 more transcripts); short protein forms R439C.
Identifiers: ClinVar variation 2574436 (VCV002574436.2), dbSNP rs2058254106, ClinGen allele CA414278457.